The following is an entry in ClinVar:

ClinVar aggregate classification (germline): Pathogenic (1 of 4 stars; one submission).

Conditions:
Familial adenomatous polyposis 1 (FAP1). Also called: FAMILIAL ADENOMATOUS POLYPOSIS 1, ATTENUATED; POLYPOSIS, ADENOMATOUS INTESTINAL. Identifiers: MedGen C2713442, MONDO:0021056, OMIM 175100. Disease mechanism: loss of function.

Submission:

Myriad Genetics, Inc.
Classification: Pathogenic for Familial adenomatous polyposis 1. Last evaluated: 2023-05-11. Review status: criteria provided, single submitter. Criteria: Myriad Autosomal Dominant, Autosomal Recessive and X-Linked Classification Criteria (2023). Collection method: clinical testing. Allele origin: unknown.
Comment: This variant is considered pathogenic. This variant creates a frameshift predicted to result in premature protein truncation.

NM_000038.6(APC):c.4598del (p.Asn1533fs)

Gene: APC (APC regulator of Wnt signaling pathway; plus strand). Cytogenetic location: 5q22.2.
Variant type: Deletion.
Coding change: c.4598del on transcript NM_000038.6 (MANE Select); coding-DNA position 4598, one base deleted (A; older notation c.4598delA).
Protein change: p.Asn1533fs; shifts the reading frame from asparagine 1533.
Molecular consequence: frameshift variant. On other transcripts: non-coding transcript variant (2).
Genome position (GRCh38, 1-based): chr5:112,840,192, A deleted; the last of 2 consecutive A bases (chr5:112,840,191-112,840,192); deleting either gives the same sequence. VCF-style (leftmost placement, unchanged base first): chr5-112840190-CA-C. GRCh37 (hg19) VCF-style: chr5-112175887-CA-C.
Other names: c.4598del, p.Asn1533fs (NM_001127510.3, NM_001354895.2, NM_001407450.1); c.4544del, p.Asn1515fs (NM_001127511.3); c.4652del, p.Asn1551fs (NM_001354896.2, NM_001407447.1, NM_001407448.1 and 1 more transcripts); c.4628del, p.Asn1543fs (NM_001354897.2); c.4523del, p.Asn1508fs (NM_001354898.2); c.4514del, p.Asn1505fs (NM_001354899.2); c.4475del, p.Asn1492fs (NM_001354900.2); c.4421del, p.Asn1474fs (NM_001354901.2, NM_001407453.1); and 11 more; short protein forms N1492fs, N1505fs, N1508fs, N1515fs, N1523fs, N1526fs, N1533fs, N1543fs.
Identifiers: ClinVar variation 2583935 (VCV002583935.2), dbSNP rs2149918600, ClinGen allele CA645543954.
Genomic context (GRCh38, chr5:112,840,190, plus strand): 5'-TGAGCCATTTATACAGAAAGATGTGGAATTAAGAATAATGCCTCCAGTTCAGGAAAATGA[CA>C]ATGGGAATGAAACAGAATCAGAGCAGCCTAAAGAATCAAATGAAAACCAAGAGAAAGAGG-3'